The following is an entry in ClinVar:

ClinVar aggregate classification (germline): Uncertain significance (1 of 4 stars; one submission).

Conditions:
Hypertrophic cardiomyopathy. Also called: HYPERTROPHIC MYOCARDIOPATHY. Identifiers: Orphanet 217569, MedGen C0007194, MeSH D002312, MONDO:0005045, HP:0001639.

Submission:

Labcorp Genetics (formerly Invitae), Labcorp
Classification: Uncertain significance for Hypertrophic cardiomyopathy. Last evaluated: 2023-10-03. Review status: criteria provided, single submitter. Criteria: Invitae Variant Classification Sherloc (09022015). Collection method: clinical testing. Allele origin: germline.
Comment: This sequence change affects an acceptor splice site in intron 27 of the MYOM1 gene. It is expected to disrupt RNA splicing. Variants that disrupt the donor or acceptor splice site typically lead to a loss of protein function (PMID: 16199547), however the current clinical and genetic evidence is not sufficient to establish whether loss-of-function variants in MYOM1 cause disease. This variant is not present in population databases (gnomAD no frequency). This variant has not been reported in the literature in individuals affected with MYOM1-related conditions. ClinVar contains an entry for this variant (Variation ID: 1479572). Algorithms developed to predict the effect of sequence changes on RNA splicing suggest that this variant may disrupt the consensus splice site. In summary, the available evidence is currently insufficient to determine the role of this variant in disease. Therefore, it has been classified as a Variant of Uncertain Significance.

Literature cited by the submitters: PubMed 16199547.

NM_003803.4(MYOM1):c.4010-1G>A

Gene: MYOM1 (myomesin 1; minus strand). Cytogenetic location: 18p11.31.
Variant type: single nucleotide variant.
Coding change: c.4010-1G>A on transcript NM_003803.4 (MANE Select); the canonical splice acceptor site of the intron before coding-DNA position 4010, G replaced by A.
Molecular consequence: splice acceptor variant.
Genome position (GRCh38, 1-based): chr18:3,089,597, C>T on the plus strand (G>A on the coding strand, the complement: MYOM1 is on the minus strand). VCF-style: chr18-3089597-C-T. GRCh37 (hg19) VCF-style: chr18-3089595-C-T.
Other names: c.3722-1G>A (NM_019856.2).
Identifiers: ClinVar variation 1479572 (VCV001479572.6), dbSNP rs2143706018, ClinGen allele CA401712135.
Genomic context (GRCh38, chr18:3,089,597, plus strand): 5'-CTTGTTTCCTGATCCATTCTTGCCGCTGGAATTCAGCTTCTTTCTGGAGCTTTTTGAAAA[C>T]TACAAATTGAAAAACAAGGAAGTGTGAAATTGAGTTGGGTGGTATAAATGCACATGTCAG-3'